The following is an entry in ClinVar:

ClinVar aggregate classification (germline): Uncertain significance. Review status: criteria provided, multiple submitters, no conflicts (2 of 4 stars). 4 submissions from 4 submitters: Uncertain significance (4). Last evaluated 2025-12-10.

Conditions:
Glycogen storage disease IXd (GSD9D). Also called: GSD IXd; Muscle Phosphorylase Kinase Deficiency. Identifiers: Orphanet 715, MedGen C1845151, MONDO:0010362, OMIM 300559.
Inborn genetic diseases. Identifiers: MedGen C0950123, MeSH D030342.

Allele frequency attached by ClinVar (database versions not stated): gnomAD exomes 0.00003 and 0.00012; ExAC 0.00005; gnomAD 0.00010 and 0.00011; TOPMed 0.00012; ESP Exome Variant Server 0.00028.
gnomAD v4.1: 150 of 1,206,496 alleles (0.012%); highest among the groups gnomAD compares: Non-Finnish European, 0.015%; no homozygotes.

Submissions (4):

Mayo Clinic Laboratories, Mayo Clinic
Classification: Uncertain significance. Last evaluated: 2025-12-10. Review status: criteria provided, single submitter. Criteria: ACMG Guidelines, 2015. Collection method: clinical testing. Allele origin: germline. Observed: 1 variant allele.
Comment: BS2

Labcorp Genetics (formerly Invitae), Labcorp
Classification: Uncertain significance for Glycogen storage disease IXd. Last evaluated: 2024-12-11. Review status: criteria provided, single submitter. Criteria: Invitae Variant Classification Sherloc (09022015). Collection method: clinical testing. Allele origin: germline.
Comment: This sequence change replaces tyrosine, which is neutral and polar, with cysteine, which is neutral and slightly polar, at codon 828 of the PHKA1 protein (p.Tyr828Cys). This variant is present in population databases (rs144583035, gnomAD 0.008%). This variant has not been reported in the literature in individuals affected with PHKA1-related conditions. ClinVar contains an entry for this variant (Variation ID: 915262). Invitae Evidence Modeling of protein sequence and biophysical properties (such as structural, functional, and spatial information, amino acid conservation, physicochemical variation, residue mobility, and thermodynamic stability) indicates that this missense variant is expected to disrupt PHKA1 protein function with a positive predictive value of 80%. In summary, the available evidence is currently insufficient to determine the role of this variant in disease. Therefore, it has been classified as a Variant of Uncertain Significance.

Ambry Genetics
Classification: Uncertain significance for Inborn genetic diseases. Last evaluated: 2024-08-05. Review status: criteria provided, single submitter. Criteria: Ambry Variant Classification Scheme 2023. Collection method: clinical testing. Allele origin: germline.

Illumina Laboratory Services, Illumina
Classification: Uncertain significance for Glycogen storage disease IXd. Last evaluated: 2018-01-12. Review status: criteria provided, single submitter. Criteria: ICSL Variant Classification Criteria 13 December 2019. Collection method: clinical testing. Allele origin: germline.

NM_002637.4(PHKA1):c.2483A>G (p.Tyr828Cys)

Gene: PHKA1 (phosphorylase kinase regulatory subunit alpha 1; minus strand). Cytogenetic location: Xq13.1.
Variant type: single nucleotide variant.
Coding change: c.2483A>G on transcript NM_002637.4 (MANE Select); coding-DNA position 2483, A replaced by G.
Protein change: p.Tyr828Cys; replaces tyrosine 828 with cysteine.
Molecular consequence: missense variant.
Genome position (GRCh38, 1-based): chrX:72,611,071, T>C on the plus strand (A>G on the coding strand, the complement: PHKA1 is on the minus strand). VCF-style: chrX-72611071-T-C. GRCh37 (hg19) VCF-style: chrX-71830921-T-C.
Other names: p.Tyr828Cys; c.2483A>G, p.Tyr828Cys (NM_001122670.2); c.2306A>G, p.Tyr769Cys (NM_001172436.2); short protein forms Y769C, Y828C.
Identifiers: ClinVar variation 915262 (VCV000915262.8), dbSNP rs144583035, ClinGen allele CA10450682.